The following is an entry in ClinVar:

NM_000969.5(RPL5):c.629A>G (p.Tyr210Cys)

Genes: DIPK1A (divergent protein kinase domain 1A; minus strand), RPL5 (ribosomal protein L5; plus strand). Cytogenetic location: 1p22.1.
Variant type: single nucleotide variant.
Coding change: c.629A>G on transcript NM_000969.5 (MANE Select); coding-DNA position 629, A replaced by G.
Protein change: p.Tyr210Cys; replaces tyrosine 210 with cysteine.
Molecular consequence: missense variant. On other transcripts: non-coding transcript variant (1), intron variant (1).
Genome position (GRCh38, 1-based): chr1:92,837,557, A>G. VCF-style: chr1-92837557-A-G. GRCh37 (hg19) VCF-style: chr1-93303114-A-G.
Other names: c.475-4523T>C (NM_001252273.2); short protein forms Y210C.
Identifiers: ClinVar variation 238200 (VCV000238200.49), dbSNP rs11540832, ClinGen allele CA952529.

ClinVar aggregate classification (germline): Benign/Likely benign. Review status: criteria provided, multiple submitters, no conflicts (2 of 4 stars). 12 submissions from 12 submitters: Benign (5); Likely benign (7). Last evaluated 2026-02-01.

Conditions:
RPL5-related disorder. Also called: RPL5-related condition.
Diamond-Blackfan anemia 1 (DBA1). Also called: RPS19-Related Diamond-Blackfan Anemia; BLACKFAN-DIAMOND SYNDROME; ANEMIA, CONGENITAL HYPOPLASTIC, OF BLACKFAN AND DIAMOND; ANEMIA, CONGENITAL ERYTHROID HYPOPLASTIC; RED CELL APLASIA, PURE, HEREDITARY; AREGENERATIVE ANEMIA, CHRONIC CONGENITAL. Identifiers: Orphanet 124, MedGen C2676137, MONDO:0007110, OMIM 105650.
Diamond-Blackfan anemia. Also called: Blackfan Diamond syndrome; Aregenerative anemia chronic congenital; Red cell aplasia, pure hereditary; Congenital hypoplastic anemia; Aase syndrome. Identifiers: Orphanet 124, MedGen C1260899, MeSH D029503, MONDO:0015253, HP:0004810.
Diamond-Blackfan anemia 6 (DBA6). Also called: RPL5-Related Diamond-Blackfan Anemia. Identifiers: Orphanet 124, MedGen C2931850, MONDO:0012937, OMIM 612561.

Allele frequency attached by ClinVar (database versions not stated): ExAC 0.00446; ESP Exome Variant Server 0.00562; gnomAD 0.00574 and 0.00558; 1000 Genomes Project 0.00220; 1000 Genomes Project 30x 0.00234; gnomAD exomes 0.00470 and 0.00759; TOPMed 0.00538.
gnomAD v4.1: 11,813 of 1,612,022 alleles (0.73%); highest among the groups gnomAD compares: Non-Finnish European, 0.91%; 45 homozygotes.

Submissions (12):

Labcorp Genetics (formerly Invitae), Labcorp
Classification: Benign for Diamond-Blackfan anemia. Last evaluated: 2026-02-01. Review status: criteria provided, single submitter. Criteria: Invitae Variant Classification Sherloc (09022015). Collection method: clinical testing. Allele origin: germline.

PreventionGenetics, part of Exact Sciences
Classification: Benign for RPL5-related condition. Last evaluated: 2026-01-13. Review status: criteria provided, single submitter. Criteria: ACMG Guidelines, 2015. Collection method: clinical testing. Allele origin: germline.
Comment: This variant is classified as benign based on ACMG/AMP sequence variant interpretation guidelines (Richards et al. 2015 PMID: 25741868, with internal and published modifications).

Blueprint Genetics
Classification: Likely benign. Last evaluated: 2024-11-25. Review status: criteria provided, single submitter. Criteria: ACMG Guidelines, 2015. Collection method: clinical testing. Allele origin: germline.

CeGaT Center for Human Genetics Tuebingen
Classification: Likely benign. Last evaluated: 2024-09-01. Review status: criteria provided, single submitter. Criteria: CeGaT Center For Human Genetics Tuebingen Variant Classification Criteria Version 2. Collection method: clinical testing. Allele origin: germline. Affected: yes. Observed: 2 variant alleles.
Comment: RPL5: BS2

ARUP Laboratories, Molecular Genetics and Genomics, ARUP Laboratories
Classification: Benign for Diamond-Blackfan anemia 6. Last evaluated: 2024-08-23. Review status: criteria provided, single submitter. Criteria: ARUP Molecular Germline Variant Investigation Process 2024. Collection method: clinical testing. Allele origin: germline.

Genetic Services Laboratory, University of Chicago
Classification: Benign. Last evaluated: 2021-03-15. Review status: criteria provided, single submitter. Criteria: ACMG Guidelines, 2015. Collection method: clinical testing. Allele origin: germline. Affected: no.

GeneDx
Classification: Likely benign. Last evaluated: 2020-08-05. Review status: criteria provided, single submitter. Criteria: GeneDx Variant Classification Process June 2021. Collection method: clinical testing. Allele origin: germline. Affected: yes.

Mendelics
Classification: Likely benign for Diamond-Blackfan anemia 1. Last evaluated: 2019-05-28. Review status: criteria provided, single submitter. Criteria: Mendelics Assertion Criteria 2017. Collection method: clinical testing. Allele origin: unknown.

Illumina Laboratory Services, Illumina
Classification: Benign for Diamond-Blackfan anemia 6. Last evaluated: 2018-01-13. Review status: criteria provided, single submitter. Criteria: ICSL Variant Classification Criteria 13 December 2019. Collection method: clinical testing. Allele origin: germline.
Comment: This variant was observed in the ICSL laboratory as part of a predisposition screen in an ostensibly healthy population. It had not been previously curated by ICSL or reported in the Human Gene Mutation Database (HGMD: prior to June 1st, 2018), and was therefore a candidate for classification through an automated scoring system. Utilizing variant allele frequency, disease prevalence and penetrance estimates, and inheritance mode, an automated score was calculated to assess if this variant is too frequent to cause the disease. Based on the score and internal cut-off values, a variant classified as benign is not then subjected to further curation. The score for this variant resulted in a classification of benign for this disease.

Ambry Genetics
Classification: Likely benign for Diamond-Blackfan anemia. Last evaluated: 2017-05-15. Review status: criteria provided, single submitter. Criteria: Ambry Variant Classification Scheme 2023. Collection method: clinical testing. Allele origin: germline.

Center for Pediatric Genomic Medicine, Children's Mercy Hospital and Clinics
Classification: Likely benign. Last evaluated: 2017-05-03. Review status: criteria provided, single submitter. Criteria: ACMG Guidelines, 2015. Collection method: clinical testing. Allele origin: germline.

Breakthrough Genomics
Classification: Likely benign. Review status: criteria provided, single submitter. Criteria: ACMG Guidelines, 2015. Collection method: not provided. Allele origin: germline. Inheritance: Autosomal dominant inheritance. Affected: yes.

Literature cited by the submitters: PubMed 20054847 (cited by Ambry Genetics).